The following is an entry in ClinVar:

NM_032043.3(BRIP1):c.917A>G (p.Asn306Ser)

Gene: BRIP1 (BRCA1 interacting DNA helicase 1; minus strand). Cytogenetic location: 17q23.2.
Variant type: single nucleotide variant.
Coding change: c.917A>G on transcript NM_032043.3 (MANE Select); coding-DNA position 917, A replaced by G.
Protein change: p.Asn306Ser; replaces asparagine 306 with serine.
Molecular consequence: missense variant.
Genome position (GRCh38, 1-based): chr17:61,808,468, T>C on the plus strand (A>G on the coding strand, the complement: BRIP1 is on the minus strand). VCF-style: chr17-61808468-T-C. GRCh37 (hg19) VCF-style: chr17-59885829-T-C.
Other names: short protein forms N306S.
Identifiers: ClinVar variation 619664 (VCV000619664.10), dbSNP rs1567837564, ClinGen allele CA400484633.

ClinVar aggregate classification (germline): Uncertain significance. Review status: criteria provided, multiple submitters, no conflicts (2 of 4 stars). 2 submissions from 2 submitters: Uncertain significance (2). Last evaluated 2021-06-26.

Conditions:
Familial cancer of breast. Also called: BREAST CANCER, FAMILIAL; Hereditary breast cancer; hereditary breast carcinoma. Identifiers: Orphanet 227535, MedGen C0346153, MONDO:0016419, OMIM 114480. Disease mechanism: loss of function.
Fanconi anemia complementation group J. Also called: BRIP1-Related Fanconi Anemia. Identifiers: Orphanet 84, MedGen C1836860, MONDO:0012187, OMIM 609054.

Submissions (2):

Labcorp Genetics (formerly Invitae), Labcorp
Classification: Uncertain significance for Familial cancer of breast; Fanconi anemia complementation group J. Last evaluated: 2021-06-26. Review status: criteria provided, single submitter. Criteria: Invitae Variant Classification Sherloc (09022015). Collection method: clinical testing. Allele origin: germline.
Comment: This sequence change replaces asparagine with serine at codon 306 of the BRIP1 protein (p.Asn306Ser). The asparagine residue is weakly conserved and there is a small physicochemical difference between asparagine and serine. This variant is not present in population databases (ExAC no frequency). This variant has not been reported in the literature in individuals with BRIP1-related conditions. ClinVar contains an entry for this variant (Variation ID: 619664). Algorithms developed to predict the effect of missense changes on protein structure and function (SIFT, PolyPhen-2, Align-GVGD) all suggest that this variant is likely to be tolerated, but these predictions have not been confirmed by published functional studies and their clinical significance is uncertain. In summary, the available evidence is currently insufficient to determine the role of this variant in disease. Therefore, it has been classified as a Variant of Uncertain Significance.

Quest Diagnostics Nichols Institute San Juan Capistrano
Classification: Uncertain significance. Last evaluated: 2018-02-07. Review status: criteria provided, single submitter. Criteria: Quest Diagnostics criteria. Collection method: clinical testing. Allele origin: germline.